The following is an entry in ClinVar:

NM_000051.4(ATM):c.5603G>A (p.Gly1868Glu)

Gene: ATM (ATM serine/threonine kinase; plus strand). Cytogenetic location: 11q22.3.
Variant type: single nucleotide variant.
Coding change: c.5603G>A on transcript NM_000051.4 (MANE Select); coding-DNA position 5603, G replaced by A.
Protein change: p.Gly1868Glu; replaces glycine 1868 with glutamic acid.
Molecular consequence: missense variant.
Genome position (GRCh38, 1-based): chr11:108,304,781, G>A. VCF-style: chr11-108304781-G-A. GRCh37 (hg19) VCF-style: chr11-108175508-G-A.
Other names: c.5603G>A, p.Gly1868Glu (NM_001351834.2); short protein forms G1868E.
Identifiers: ClinVar variation 572329 (VCV000572329.8), dbSNP rs1565482084, ClinGen allele CA382546245.

ClinVar aggregate classification (germline): Uncertain significance (1 of 4 stars; one submission).

Conditions:
Ataxia-telangiectasia syndrome (AT). Also called: AT, COMPLEMENTATION GROUP C; Cerebello-oculocutaneous telangiectasia; Immunodeficiency with ataxia telangiectasia; Ataxia-telangiectasia, complementation group D; ATAXIA-TELANGIECTASIA, FRESNO VARIANT; Ataxia-telangiectasia, complementation group E. Identifiers: Orphanet 100, MedGen C0004135, MONDO:0008840, OMIM 208900.

Submission:

Labcorp Genetics (formerly Invitae), Labcorp
Classification: Uncertain significance for Ataxia-telangiectasia syndrome. Last evaluated: 2018-02-13. Review status: criteria provided, single submitter. Criteria: Invitae Variant Classification Sherloc (09022015). Collection method: clinical testing. Allele origin: germline.
Comment: In summary, the available evidence is currently insufficient to determine the role of this variant in disease. Therefore, it has been classified as a Variant of Uncertain Significance. Algorithms developed to predict the effect of missense changes on protein structure and function (SIFT, PolyPhen-2, Align-GVGD) all suggest that this variant is likely to be tolerated, but these predictions have not been confirmed by published functional studies and their clinical significance is uncertain. This variant has not been reported in the literature in individuals with ATM-related disease. This variant is not present in population databases (ExAC no frequency). This sequence change replaces glycine with glutamic acid at codon 1868 of the ATM protein (p.Gly1868Glu). The glycine residue is moderately conserved and there is a moderate physicochemical difference between glycine and glutamic acid.